The following is an entry in ClinVar:

NM_003001.5(SDHC):c.20+12_20+13insTA

Gene: SDHC (succinate dehydrogenase complex subunit C; plus strand). Cytogenetic location: 1q23.3.
Variant type: Insertion.
Coding change: c.20+12_20+13insTA on transcript NM_003001.5 (MANE Select); bases 12 to 13 of the intron after coding-DNA position 20, TA inserted.
Molecular consequence: intron variant. On other transcripts: 5 prime UTR variant (1).
Genome position: GRCh38 VCF-style: chr1-161314437-G-GTA. GRCh37 (hg19) VCF-style: chr1-161284227-G-GTA.
Other names: c.-529_-528insTA (NM_001407119.1); c.-210+12_-210+13insTA (NM_001407120.1); c.20+12_20+13insTA (NM_001407115.1, NM_001035511.3, NM_001035512.3 and 6 more transcripts).
Identifiers: ClinVar variation 512130 (VCV000512130.10), dbSNP rs1403146281, ClinGen allele CA526856681.

ClinVar aggregate classification (germline): Likely benign. Review status: criteria provided, multiple submitters, no conflicts (2 of 4 stars). 2 submissions from 2 submitters: Likely benign (2). Last evaluated 2025-07-08.

Conditions:
Gastrointestinal stromal tumor. Also called: Gastrointestinal stroma tumor; Gastrointestinal stromal tumor, somatic. Identifiers: Orphanet 44890, MedGen C0238198, MeSH D046152, MONDO:0011719, OMIM 606764, HP:0100723.
Pheochromocytoma/paraganglioma syndrome 3. Also called: SDHC-Related Hereditary Paraganglioma-Pheochromocytoma Syndrome (Paragangliomas 3); Paragangliomas 3; GLOMUS TUMORS, FAMILIAL, 3; SDHC-Related Hereditary Paraganglioma-Pheochromocytoma Syndrome. Identifiers: Orphanet 29072, MedGen C1854336, MONDO:0011544, OMIM 605373.

Allele frequency attached by ClinVar (database versions not stated): gnomAD exomes below 0.00001; TOPMed below 0.00001; gnomAD 0.00001.

Submissions (2):

Labcorp Genetics (formerly Invitae), Labcorp
Classification: Likely benign for Pheochromocytoma/paraganglioma syndrome 3; Gastrointestinal stromal tumor. Last evaluated: 2025-07-08. Review status: criteria provided, single submitter. Criteria: Invitae Variant Classification Sherloc (09022015). Collection method: clinical testing. Allele origin: germline.

GeneDx
Classification: Likely benign. Last evaluated: 2017-09-21. Review status: criteria provided, single submitter. Criteria: GeneDx Variant Classification (06012015). Collection method: clinical testing. Allele origin: germline. Affected: yes.
Comment: This variant is considered likely benign or benign based on one or more of the following criteria: it is a conservative change, it occurs at a poorly conserved position in the protein, it is predicted to be benign by multiple in silico algorithms, and/or has population frequency not consistent with disease.